The following is an entry in ClinVar:

NM_018418.5(SPATA7):c.206C>T (p.Ser69Leu)

Gene: SPATA7 (spermatogenesis associated 7; plus strand). Cytogenetic location: 14q31.3.
Variant type: single nucleotide variant.
Coding change: c.206C>T on transcript NM_018418.5 (MANE Select); coding-DNA position 206, C replaced by T.
Protein change: p.Ser69Leu; replaces serine 69 with leucine.
Molecular consequence: missense variant.
Genome position (GRCh38, 1-based): chr14:88,396,171, C>T. VCF-style: chr14-88396171-C-T. GRCh37 (hg19) VCF-style: chr14-88862515-C-T.
Other names: c.206C>T (NM_018418.4); c.110C>T, p.Ser37Leu (NM_001040428.4); short protein forms S37L, S69L.
Identifiers: ClinVar variation 1392079 (VCV001392079.9), dbSNP rs1416355447, ClinGen allele CA390547092.

ClinVar aggregate classification (germline): Uncertain significance. Review status: criteria provided, multiple submitters, no conflicts (2 of 4 stars). 2 submissions from 2 submitters: Uncertain significance (2). Last evaluated 2024-10-19.

Conditions:
Inborn genetic diseases. Identifiers: MedGen C0950123, MeSH D030342.
Leber congenital amaurosis 3 (LCA3). Also called: SPATA7-Related Retinitis Pigmentosa. Identifiers: MedGen C1858677, MONDO:0011415, OMIM 604232.

Allele frequency attached by ClinVar (database versions not stated): gnomAD exomes 0.00001; gnomAD 0.00003 and 0.00004.
gnomAD v4.1: 15 of 1,610,040 alleles (0.00093%); highest among the groups gnomAD compares: Admixed American, 0.0067%; no homozygotes.

Submissions (2):

Ambry Genetics
Classification: Uncertain significance for Inborn genetic diseases. Last evaluated: 2024-10-19. Review status: criteria provided, single submitter. Criteria: Ambry Variant Classification Scheme 2023. Collection method: clinical testing. Allele origin: germline.

Labcorp Genetics (formerly Invitae), Labcorp
Classification: Uncertain significance for Leber congenital amaurosis 3. Last evaluated: 2022-07-01. Review status: criteria provided, single submitter. Criteria: Invitae Variant Classification Sherloc (09022015). Collection method: clinical testing. Allele origin: germline.
Comment: In summary, the available evidence is currently insufficient to determine the role of this variant in disease. Therefore, it has been classified as a Variant of Uncertain Significance. Algorithms developed to predict the effect of missense changes on protein structure and function are either unavailable or do not agree on the potential impact of this missense change (SIFT: "Deleterious"; PolyPhen-2: "Probably Damaging"; Align-GVGD: "Class C0"). ClinVar contains an entry for this variant (Variation ID: 1392079). This variant has not been reported in the literature in individuals affected with SPATA7-related conditions. This variant is present in population databases (no rsID available, gnomAD 0.01%). This sequence change replaces serine, which is neutral and polar, with leucine, which is neutral and non-polar, at codon 69 of the SPATA7 protein (p.Ser69Leu).